The following is an entry in ClinVar:

NM_175053.4(KRT74):c.546C>A (p.Asn182Lys)

Gene: KRT74 (keratin 74; minus strand). Cytogenetic location: 12q13.13.
Variant type: single nucleotide variant.
Coding change: c.546C>A on transcript NM_175053.4 (MANE Select); coding-DNA position 546, C replaced by A.
Protein change: p.Asn182Lys; replaces asparagine 182 with lysine.
Molecular consequence: missense variant.
Genome position (GRCh38, 1-based): chr12:52,572,593, G>T on the plus strand (C>A on the coding strand, the complement: KRT74 is on the minus strand). VCF-style: chr12-52572593-G-T. GRCh37 (hg19) VCF-style: chr12-52966377-G-T.
Other names: short protein forms N182K.
Identifiers: ClinVar variation 2889027 (VCV002889027.3), dbSNP rs752506257, ClinGen allele CA6584060.

ClinVar aggregate classification (germline): Uncertain significance (1 of 4 stars; one submission).

Allele frequency attached by ClinVar (database versions not stated): ExAC 0.00001; gnomAD 0.00001; TOPMed 0.00001.
gnomAD v4.1: 38 of 1,614,076 alleles (0.0024%); highest among the groups gnomAD compares: Non-Finnish European, 0.0031%; no homozygotes.

Submission:

Labcorp Genetics (formerly Invitae), Labcorp
Classification: Uncertain significance. Last evaluated: 2022-11-18. Review status: criteria provided, single submitter. Criteria: Invitae Variant Classification Sherloc (09022015). Collection method: clinical testing. Allele origin: germline.
Comment: In summary, the available evidence is currently insufficient to determine the role of this variant in disease. Therefore, it has been classified as a Variant of Uncertain Significance. Advanced modeling of protein sequence and biophysical properties (such as structural, functional, and spatial information, amino acid conservation, physicochemical variation, residue mobility, and thermodynamic stability) performed at Invitae indicates that this missense variant is not expected to disrupt KRT74 protein function. This variant has not been reported in the literature in individuals affected with KRT74-related conditions. This variant is present in population databases (rs752506257, gnomAD 0.002%). This sequence change replaces asparagine, which is neutral and polar, with lysine, which is basic and polar, at codon 182 of the KRT74 protein (p.Asn182Lys).